The following is an entry in ClinVar:

ClinVar aggregate classification (germline): Pathogenic. Review status: criteria provided, single submitter (1 of 4 stars). 2 submissions from 2 submitters: Pathogenic (1). 1 of the submissions does not count toward it. Last evaluated 2022-04-29.

Conditions:
Tuberous sclerosis syndrome (TSC). Also called: Tuberous Sclerosis Complex; Tuberous sclerosis. Identifiers: Orphanet 805, MedGen C0041341, MONDO:0001734.
Tuberous sclerosis 2 (TSC2). Identifiers: Orphanet 805, MedGen C1860707, MONDO:0013199, OMIM 613254.

Submissions (2):

Labcorp Genetics (formerly Invitae), Labcorp
Classification: Pathogenic for Tuberous sclerosis 2. Last evaluated: 2022-04-29. Review status: criteria provided, single submitter. Criteria: Invitae Variant Classification Sherloc (09022015). Collection method: clinical testing. Allele origin: germline.
Comment: For these reasons, this variant has been classified as Pathogenic. ClinVar contains an entry for this variant (Variation ID: 49987). This premature translational stop signal has been observed in individual(s) with tuberous sclerosis complex (PMID: 16554133, 20498439, 32211034). This variant is not present in population databases (gnomAD no frequency). This sequence change creates a premature translational stop signal (p.Ser1466*) in the TSC2 gene. It is expected to result in an absent or disrupted protein product. Loss-of-function variants in TSC2 are known to be pathogenic (PMID: 10205261, 17304050).

Tuberous sclerosis database (TSC2)
No classification provided. Condition: TSC. Review status: no classification provided. Criteria: Tuberous Sclerosis Database Assertion Criteria 2015. Collection method: curation. Allele origin: germline. Affected: yes. Not counted in ClinVar's aggregate classification.

Literature cited by the submitters: PubMed 16554133 (cited by Labcorp Genetics (formerly Invitae), Labcorp); PubMed 20498439 (cited by Labcorp Genetics (formerly Invitae), Labcorp); PubMed 32211034 (cited by Labcorp Genetics (formerly Invitae), Labcorp); PubMed 10205261 (cited by Labcorp Genetics (formerly Invitae), Labcorp); PubMed 17304050 (cited by Labcorp Genetics (formerly Invitae), Labcorp).

NM_000548.5(TSC2):c.4397C>A (p.Ser1466Ter)

Gene: TSC2 (TSC complex subunit 2; plus strand). Cytogenetic location: 16p13.3.
Variant type: single nucleotide variant.
Coding change: c.4397C>A on transcript NM_000548.5 (MANE Select); coding-DNA position 4397, C replaced by A.
Protein change: p.Ser1466Ter; replaces serine 1466 with a stop codon.
Molecular consequence: nonsense.
Genome position (GRCh38, 1-based): chr16:2,084,619, C>A. VCF-style: chr16-2084619-C-A. GRCh37 (hg19) VCF-style: chr16-2134620-C-A.
Other names: c.4196C>A, p.Ser1399Ter (NM_001077183.3); c.4328C>A, p.Ser1443Ter (NM_001114382.3); c.4088C>A, p.Ser1363Ter (NM_001318827.2); c.4052C>A, p.Ser1351Ter (NM_001318829.2); c.3665C>A, p.Ser1222Ter (NM_001318831.2); c.4229C>A, p.Ser1410Ter (NM_001318832.2); c.4199C>A, p.Ser1400Ter (NM_001363528.2); c.4265C>A, p.Ser1422Ter (NM_001370404.1); and 1 more; short protein forms S1466*, S1363*, S1399*, S1410*, S1222*, S1351*, S1400*, S1422*.
Identifiers: ClinVar variation 49987 (VCV000049987.6), dbSNP rs45517341, ClinGen allele CA020377.